The following is an entry in ClinVar:

ClinVar aggregate classification (germline): Uncertain significance (1 of 4 stars; one submission).

Conditions:
Hereditary cancer-predisposing syndrome. Also called: Neoplastic Syndromes, Hereditary; Tumor predisposition; Hereditary neoplastic syndrome; Hereditary Cancer Syndrome. Identifiers: Orphanet 140162, MedGen C0027672, MeSH D009386, MONDO:0015356.

Allele frequency attached by ClinVar (database versions not stated): gnomAD exomes 0.00001.
gnomAD v4.1: 5 of 1,614,148 alleles (0.00031%); highest among the groups gnomAD compares: Non-Finnish European, 0.00042%; no homozygotes.

Submission:

Color Diagnostics, LLC DBA Color Health
Classification: Uncertain significance for Hereditary cancer-predisposing syndrome. Last evaluated: 2023-12-04. Review status: criteria provided, single submitter. Criteria: ACMG Guidelines, 2015. Collection method: clinical testing. Allele origin: germline.
Comment: This missense variant replaces glutamic acid with aspartic acid at codon 2903 of the BRCA2 protein. Computational prediction suggests that this variant may not impact protein structure and function (internally defined REVEL score threshold <= 0.5, PMID: 27666373). To our knowledge, functional studies have not been reported for this variant. This variant has not been reported in individuals affected with BRCA2-related disorders in the literature. This variant has not been identified in the general population by the Genome Aggregation Database (gnomAD). The available evidence is insufficient to determine the role of this variant in disease conclusively. Therefore, this variant is classified as a Variant of Uncertain Significance.

NM_000059.4(BRCA2):c.8709G>C (p.Glu2903Asp)

Gene: BRCA2 (BRCA2 DNA repair associated; plus strand). Cytogenetic location: 13q13.1.
Variant type: single nucleotide variant.
Coding change: c.8709G>C on transcript NM_000059.4 (MANE Select); coding-DNA position 8709, G replaced by C.
Protein change: p.Glu2903Asp; replaces glutamic acid 2903 with aspartic acid.
Molecular consequence: missense variant.
Genome position (GRCh38, 1-based): chr13:32,376,746, G>C. VCF-style: chr13-32376746-G-C. GRCh37 (hg19) VCF-style: chr13-32950883-G-C.
Other names: short protein forms E2903D.
Identifiers: ClinVar variation 629270 (VCV000629270.5), dbSNP rs1566251461, ClinGen allele CA387754895.